The following is an entry in ClinVar:

NM_015662.3(IFT172):c.4923G>A (p.Glu1641=)

Genes: IFT172 (intraflagellar transport 172; minus strand), KRTCAP3 (keratinocyte associated protein 3; plus strand). Cytogenetic location: 2p23.3.
Variant type: single nucleotide variant.
Coding change: c.4923G>A on transcript NM_015662.3 (MANE Select); coding-DNA position 4923, G replaced by A.
Protein change: p.Glu1641=; no amino-acid change (glutamic acid 1641 retained).
Molecular consequence: synonymous variant. On other transcripts: intron variant (1).
Genome position (GRCh38, 1-based): chr2:27,445,441, C>T on the plus strand (G>A on the coding strand, the complement: IFT172 is on the minus strand). VCF-style: chr2-27445441-C-T. GRCh37 (hg19) VCF-style: chr2-27668308-C-T.
Other names: c.4857G>A, p.Glu1619= (NM_001410739.1); c.*6-860C>T (NM_001168364.2).
Identifiers: ClinVar variation 4998681 (VCV004998681.1).

ClinVar aggregate classification (germline): Likely benign (1 of 4 stars; one submission).

Conditions:
IFT172-related disorder. Also called: IFT172-related condition; IFT172-related disorders.

gnomAD v4.1: 6 of 1,610,486 alleles (0.00037%); highest among the groups gnomAD compares: Non-Finnish European, 0.00051%; no homozygotes.

Submission:

PreventionGenetics, part of Exact Sciences
Classification: Likely benign for IFT172-related condition. Last evaluated: 2025-05-21. Review status: criteria provided, single submitter. Criteria: ACMG Guidelines, 2015. Collection method: clinical testing. Allele origin: germline.
Comment: This variant is classified as likely benign based on ACMG/AMP sequence variant interpretation guidelines (Richards et al. 2015 PMID: 25741868, with internal and published modifications).